The following is an entry in ClinVar:

ClinVar aggregate classification (germline): Uncertain significance. Review status: criteria provided, multiple submitters, no conflicts (2 of 4 stars). 2 submissions from 2 submitters: Uncertain significance (2). Last evaluated 2023-02-17.

Allele frequency attached by ClinVar (database versions not stated): TOPMed below 0.00001; ExAC 0.00001; gnomAD exomes 0.00001.
gnomAD v4.1: 4 of 1,614,220 alleles (0.00025%); highest among the groups gnomAD compares: African/African-American, 0.0013%; no homozygotes.

Submissions (2):

Labcorp Genetics (formerly Invitae), Labcorp
Classification: Uncertain significance. Last evaluated: 2023-02-17. Review status: criteria provided, single submitter. Criteria: Invitae Variant Classification Sherloc (09022015). Collection method: clinical testing. Allele origin: germline.
Comment: This sequence change replaces alanine, which is neutral and non-polar, with serine, which is neutral and polar, at codon 201 of the A2ML1 protein (p.Ala201Ser). This variant is present in population databases (rs769291128, gnomAD 0.007%). This variant has not been reported in the literature in individuals affected with A2ML1-related conditions. ClinVar contains an entry for this variant (Variation ID: 1751125). An algorithm developed to predict the effect of missense changes on protein structure and function (PolyPhen-2) suggests that this variant is likely to be tolerated. In summary, the available evidence is currently insufficient to determine the role of this variant in disease. Therefore, it has been classified as a Variant of Uncertain Significance.

Ambry Genetics
Classification: Uncertain significance. Last evaluated: 2022-03-23. Review status: criteria provided, single submitter. Criteria: Ambry Variant Classification Scheme 2023. Collection method: clinical testing. Allele origin: germline.
Comment: The p.A201S variant (also known as c.601G>T), located in coding exon 6 of the A2ML1 gene, results from a G to T substitution at nucleotide position 601. The alanine at codon 201 is replaced by serine, an amino acid with similar properties. This amino acid position is conserved. In addition, this alteration is predicted to be tolerated by in silico analysis. Since supporting evidence is limited at this time, the clinical significance of this alteration remains unclear.

NM_144670.6(A2ML1):c.601G>T (p.Ala201Ser)

Gene: A2ML1 (alpha-2-macroglobulin like 1; plus strand). Cytogenetic location: 12p13.31.
Variant type: single nucleotide variant.
Coding change: c.601G>T on transcript NM_144670.6 (MANE Select); coding-DNA position 601, G replaced by T.
Protein change: p.Ala201Ser; replaces alanine 201 with serine.
Molecular consequence: missense variant.
Genome position (GRCh38, 1-based): chr12:8,835,624, G>T. VCF-style: chr12-8835624-G-T. GRCh37 (hg19) VCF-style: chr12-8988220-G-T.
Other names: short protein forms A201S.
Identifiers: ClinVar variation 1751125 (VCV001751125.5), dbSNP rs769291128, ClinGen allele CA6435366.